The following is an entry in ClinVar:

NM_007055.4(POLR3A):c.3243-2A>G

Genes: POLR3A (RNA polymerase III subunit A; minus strand), LOC126860970 (BRD4-independent group 4 enhancer GRCh37_chr10:79743812-79745011; plus strand). Cytogenetic location: 10q22.3.
Variant type: single nucleotide variant.
Coding change: c.3243-2A>G on transcript NM_007055.4 (MANE Select); the canonical splice acceptor site of the intron before coding-DNA position 3243, A replaced by G.
Molecular consequence: splice acceptor variant.
Genome position (GRCh38, 1-based): chr10:77,984,300, T>C on the plus strand (A>G on the coding strand, the complement: POLR3A is on the minus strand). VCF-style: chr10-77984300-T-C. GRCh37 (hg19) VCF-style: chr10-79744058-T-C.
Identifiers: ClinVar variation 619038 (VCV000619038.16), dbSNP rs1462460124, ClinGen allele CA377330694.

ClinVar aggregate classification (germline): Pathogenic/Likely pathogenic. Review status: criteria provided, multiple submitters, no conflicts (2 of 4 stars). 8 submissions from 8 submitters: Pathogenic (6); Likely pathogenic (1). 1 of the submissions does not count toward it. Last evaluated 2025-03-21.

Conditions:
POLR3A-related disorder. Also called: POLR3A-related disorders; POLR3A-related condition. Identifiers: MedGen CN378587, MONDO:0700276.
Neonatal pseudo-hydrocephalic progeroid syndrome. Also called: Wiedemann-Rautenstrauch syndrome. Identifiers: Orphanet 3455, MedGen C0406586, MONDO:0009910, OMIM 264090.
Leukodystrophy, hypomyelinating, 7, with or without oligodontia and/or hypogonadotropic hypogonadism (HLD7). Also called: LEUKOENCEPHALOPATHY, HYPOMYELINATING, WITH ATAXIA AND DELAYED DENTITION; ATAXIA, DELAYED DENTITION, AND HYPOMYELINATION; Ataxia, Delayed Dentition and Hypomyelination (ADDH); LEUKODYSTROPHY, HYPOMYELINATING, 7, WITH OLIGODONTIA; LEUKODYSTROPHY, HYPOMYELINATING, 7, WITH OLIGODONTIA AND HYPOGONADOTROPIC HYPOGONADISM; LEUKODYSTROPHY, HYPOMYELINATING, 7, WITHOUT OLIGODONTIA OR HYPOGONADOTROPIC HYPOGONADISM. Identifiers: Orphanet 137639, Orphanet 447893, Orphanet 447896, Orphanet 77295, Orphanet 88637, MedGen CN034185, MONDO:0011897, OMIM 607694.

Allele frequency attached by ClinVar (database versions not stated): gnomAD exomes below 0.00001 and 0.00001; gnomAD 0.00002; TOPMed 0.00002.
gnomAD v4.1: 10 of 1,598,614 alleles (0.00063%); highest among the groups gnomAD compares: Non-Finnish European, 0.00086%; no homozygotes.

Submissions (8):

GeneDx
Classification: Pathogenic. Last evaluated: 2025-03-21. Review status: criteria provided, single submitter. Criteria: GeneDx Variant Classification Process June 2021. Collection method: clinical testing. Allele origin: germline. Affected: yes.
Comment: Not observed at a significant frequency in large population cohorts (gnomAD); Canonical splice site variant predicted to result in a null allele in a gene for which loss-of-function is a known mechanism of disease; This variant is associated with the following publications: (PMID: 30414627)

Labcorp Genetics (formerly Invitae), Labcorp
Classification: Pathogenic. Last evaluated: 2023-12-11. Review status: criteria provided, single submitter. Criteria: Invitae Variant Classification Sherloc (09022015). Collection method: clinical testing. Allele origin: germline.
Comment: This sequence change affects an acceptor splice site in intron 24 of the POLR3A gene. It is expected to disrupt RNA splicing. Variants that disrupt the donor or acceptor splice site typically lead to a loss of protein function (PMID: 16199547), and loss-of-function variants in POLR3A are known to be pathogenic (PMID: 21855841, 25339210, 27612211, 30414627, 30450527). This variant is not present in population databases (gnomAD no frequency). Disruption of this splice site has been observed in individual(s) with Wiedemann-Rautenstrauch syndrome (PMID: 30414627). In at least one individual the data is consistent with being in trans (on the opposite chromosome) from a pathogenic variant. ClinVar contains an entry for this variant (Variation ID: 619038). Algorithms developed to predict the effect of sequence changes on RNA splicing suggest that this variant may disrupt the consensus splice site. For these reasons, this variant has been classified as Pathogenic.

Institute of Human Genetics Munich, TUM University Hospital
Classification: Pathogenic for Leukodystrophy, hypomyelinating, 7, with or without oligodontia and/or hypogonadotropic hypogonadism. Last evaluated: 2023-08-25. Review status: criteria provided, single submitter. Criteria: Classification criteria August 2017. Collection method: clinical testing. Allele origin: paternal. Inheritance: Autosomal recessive inheritance. Affected: yes. Observed: 1 variant allele.

Broad Center for Mendelian Genomics, Broad Institute of MIT and Harvard
Classification: Pathogenic for Leukodystrophy, hypomyelinating, 7, with or without oligodontia and/or hypogonadotropic hypogonadism. Last evaluated: 2023-01-24. Review status: criteria provided, single submitter. Criteria: ACMG Guidelines, 2015. Collection method: curation. Allele origin: germline. Inheritance: Autosomal recessive inheritance.
Comment: The c.3243-2A>G variant in POLR3A has been reported in 1 individual, in the compound heterozygous state, with POLR3A-related disorders (PMID: 30414627) and has been identified in 0.001% (1/112374) of European (non-Finnish) chromosomes by the Genome Aggregation Database (gnomAD; dbSNP ID: rs1462460124). Although this variant has been seen in the general population in a heterozygous state, its frequency is low enough to be consistent with a recessive carrier frequency. This variant has also been reported in ClinVar (Variation ID#: 619038) and has been interpreted as likely pathogenic or likely pathogenic by the Cole/Wambach Lab (Washington University in St. Louis), Invitae, and the University of Washington Center for Mendelian Genomics (University of Washington). This variant is located in the 5' splice region. Computational prediction tools and conservation analyses suggest that this variant may impact the protein, though this information is not predictive enough to determine pathogenicity. Loss of function of the POLR3A gene is an established disease mechanism in autosomal recessive POLR3A-related disorders. In summary, this variant meets criteria to be classified as pathogenic for autosomal recessive POLR3A-related disorders. ACMG/AMP Criteria applied: PVS1, PM2_supporting, PM3 (Richards 2015).

Blueprint Genetics
Classification: Likely pathogenic for POLR3A-related disorders. Last evaluated: 2021-07-29. Review status: criteria provided, single submitter. Criteria: ACMG Guidelines, 2015. Collection method: clinical testing. Allele origin: germline. Affected: yes. Observed: 1 variant allele.

Molecular Diagnostics Lab, Nemours Children's Health, Delaware
Classification: Pathogenic for Leukodystrophy, hypomyelinating, 7, with or without oligodontia and/or hypogonadotropic hypogonadism. Last evaluated: 2020-12-03. Review status: criteria provided, single submitter. Criteria: ACMG Guidelines, 2015. Collection method: clinical testing. Allele origin: paternal, maternal, unknown. Inheritance: Autosomal recessive inheritance. Affected: yes and no. Observed: 1 heterozygote, 2 compound heterozygotes. Clinical features observed: Ataxia (HP:0001251).
Comment: This predicted splice-altering variant (c.3243-2A>G) has been observed at extremely low frequency in population databaese (gnomAD), and the change has been reported it the literature (PMID 30414627). It was observed in trans with a likely pathogenic variant (c.1369G>A, p.Gly457Arg) in an affected individual.

Cole/Wambach Lab, Washington University in St. Louis
Classification: Pathogenic for Neonatal pseudo-hydrocephalic progeroid syndrome. Last evaluated: 2018-10-01. Review status: criteria provided, single submitter. Criteria: ACMG Guidelines, 2015. Collection method: research. Allele origin: inherited. Affected: yes. Observed: 1 variant allele.
Comment: in trans with c.3337-5T>A

University of Washington Center for Mendelian Genomics, University of Washington
Classification: Likely pathogenic for Wiedemann-Rautenstrauch Syndrome. Review status: no assertion criteria provided. Collection method: research. Allele origin: inherited. Affected: yes. Not counted in ClinVar's aggregate classification.

Literature cited by the submitters: PubMed 16199547 (cited by Labcorp Genetics (formerly Invitae), Labcorp); PubMed 21855841 (cited by Labcorp Genetics (formerly Invitae), Labcorp); PubMed 25339210 (cited by Labcorp Genetics (formerly Invitae), Labcorp); PubMed 27612211 (cited by Labcorp Genetics (formerly Invitae), Labcorp); PubMed 30414627 (cited by 4 submitters); PubMed 30450527 (cited by Labcorp Genetics (formerly Invitae), Labcorp).